The following is an entry in ClinVar:

ClinVar aggregate classification (germline): Uncertain significance (1 of 4 stars; one submission).

Conditions:
Inborn genetic diseases. Identifiers: MedGen C0950123, MeSH D030342.

Submission:

Ambry Genetics
Classification: Uncertain significance for Inborn genetic diseases. Last evaluated: 2021-10-06. Review status: criteria provided, single submitter. Criteria: Ambry Variant Classification Scheme 2023. Collection method: clinical testing. Allele origin: germline.
Comment: The p.L218P variant (also known as c.653T>C), located in coding exon 7 of the RAD51 gene, results from a T to C substitution at nucleotide position 653. The leucine at codon 218 is replaced by proline, an amino acid with similar properties. This amino acid position is conserved. In addition, this alteration is predicted to be deleterious by in silico analysis. Since supporting evidence is limited at this time, the clinical significance of this alteration remains unclear.

NM_002875.5(RAD51):c.653T>C (p.Leu218Pro)

Gene: RAD51 (RAD51 recombinase; plus strand). Cytogenetic location: 15q15.1.
Variant type: single nucleotide variant.
Coding change: c.653T>C on transcript NM_002875.5 (MANE Select); coding-DNA position 653, T replaced by C.
Protein change: p.Leu218Pro; replaces leucine 218 with proline.
Molecular consequence: missense variant.
Genome position (GRCh38, 1-based): chr15:40,729,513, T>C. VCF-style: chr15-40729513-T-C. GRCh37 (hg19) VCF-style: chr15-41021711-T-C.
Other names: c.656T>C, p.Leu219Pro (NM_001164269.2, NM_133487.4); c.653T>C, p.Leu218Pro (NM_001164270.2); short protein forms L218P, L219P.
Identifiers: ClinVar variation 1754113 (VCV001754113.2), dbSNP rs2504529006, ClinGen allele CA391758480.
Genomic context (GRCh38, chr15:40,729,513, plus strand): 5'-AGAATCTGACACAGGCTAGAAATAGGCTTCAGAGAATCCTTGTTTCCTGTAGGTATGCAC[T>C]GCTTATTGTAGACAGTGCCACCGCCCTTTACAGAACAGACTACTCGGGTCGAGGTGAGCT-3'
Protein context (NP_002866.2, residues 208-228): SAMMVESRYA[Leu218Pro]LIVDSATALY